The following is an entry in ClinVar:

NM_025082.4(CENPT):c.239A>G (p.His80Arg)

Gene: CENPT (centromere protein T; minus strand). Cytogenetic location: 16q22.1.
Variant type: single nucleotide variant.
Coding change: c.239A>G on transcript NM_025082.4 (MANE Select); coding-DNA position 239, A replaced by G.
Protein change: p.His80Arg; replaces histidine 80 with arginine.
Molecular consequence: missense variant.
Genome position (GRCh38, 1-based): chr16:67,832,278, T>C on the plus strand (A>G on the coding strand, the complement: CENPT is on the minus strand). VCF-style: chr16-67832278-T-C. GRCh37 (hg19) VCF-style: chr16-67866181-T-C.
Other names: short protein forms H80R.
Identifiers: ClinVar variation 2646640 (VCV002646640.24), dbSNP rs947102331, ClinGen allele CA283184370.

ClinVar aggregate classification (germline): Uncertain significance (1 of 4 stars; one submission).

Allele frequency attached by ClinVar (database versions not stated): gnomAD exomes 0.00001; TOPMed 0.00002; gnomAD 0.00003.
gnomAD v4.1: 26 of 1,614,084 alleles (0.0016%); highest among the groups gnomAD compares: Non-Finnish European, 0.002%; no homozygotes.

Submission:

CeGaT Center for Human Genetics Tuebingen
Classification: Uncertain significance. Last evaluated: 2022-11-01. Review status: criteria provided, single submitter. Criteria: CeGaT Center For Human Genetics Tuebingen Variant Classification Criteria Version 2. Collection method: clinical testing. Allele origin: germline. Affected: yes. Observed: 1 variant allele.
Comment: CENPT: PM2, BP4